The following is an entry in ClinVar:

ClinVar aggregate classification (germline): Uncertain significance. Review status: criteria provided, multiple submitters, no conflicts (2 of 4 stars). 2 submissions from 2 submitters: Uncertain significance (2). Last evaluated 2023-09-13.

Conditions:
Hereditary cancer-predisposing syndrome. Also called: Neoplastic Syndromes, Hereditary; Tumor predisposition; Hereditary Cancer Syndrome; Hereditary neoplastic syndrome. Identifiers: Orphanet 140162, MedGen C0027672, MeSH D009386, MONDO:0015356.
Breast-ovarian cancer, familial, susceptibility to, 4. Identifiers: Orphanet 145, MedGen C3280345, MONDO:0013669, OMIM 614291.

Submissions (2):

Labcorp Genetics (formerly Invitae), Labcorp
Classification: Uncertain significance for Breast-ovarian cancer, familial, susceptibility to, 4. Last evaluated: 2023-09-13. Review status: criteria provided, single submitter. Criteria: Invitae Variant Classification Sherloc (09022015). Collection method: clinical testing. Allele origin: germline.
Comment: ClinVar contains an entry for this variant (Variation ID: 1761562). In summary, the available evidence is currently insufficient to determine the role of this variant in disease. Therefore, it has been classified as a Variant of Uncertain Significance. Algorithms developed to predict the effect of sequence changes on RNA splicing suggest that this variant may create or strengthen a splice site. An algorithm developed to predict the effect of missense changes on protein structure and function (PolyPhen-2) suggests that this variant is likely to be tolerated. This variant has not been reported in the literature in individuals affected with RAD51D-related conditions. This variant is not present in population databases (gnomAD no frequency). This sequence change replaces threonine, which is neutral and polar, with serine, which is neutral and polar, at codon 27 of the RAD51D protein (p.Thr27Ser).

Ambry Genetics
Classification: Uncertain significance for Hereditary cancer-predisposing syndrome. Last evaluated: 2022-09-08. Review status: criteria provided, single submitter. Criteria: Ambry Variant Classification Scheme 2023. Collection method: clinical testing. Allele origin: germline.
Comment: The p.T27S variant (also known as c.79A>T), located in coding exon 1 of the RAD51D gene, results from an A to T substitution at nucleotide position 79. The threonine at codon 27 is replaced by serine, an amino acid with similar properties. This amino acid position is conserved. In addition, this alteration is predicted to be tolerated by in silico analysis. Since supporting evidence is limited at this time, the clinical significance of this alteration remains unclear.

NM_002878.4(RAD51D):c.79A>T (p.Thr27Ser)

Genes: RAD51L3-RFFL (RAD51L3-RFFL readthrough; minus strand), RAD51D (RAD51 paralog D; minus strand). Cytogenetic location: 17q12.
Variant type: single nucleotide variant.
Coding change: c.79A>T on transcript NM_002878.4 (MANE Select); coding-DNA position 79, A replaced by T.
Protein change: p.Thr27Ser; replaces threonine 27 with serine.
Molecular consequence: missense variant. On other transcripts: non-coding transcript variant (2).
Genome position (GRCh38, 1-based): chr17:35,119,535, T>A on the plus strand (A>T on the coding strand, the complement: RAD51D is on the minus strand). VCF-style: chr17-35119535-T-A. GRCh37 (hg19) VCF-style: chr17-33446554-T-A.
Other names: c.79A>T, p.Thr27Ser (NM_001142571.2, NM_133629.3); short protein forms T27S.
Identifiers: ClinVar variation 1761562 (VCV001761562.5), dbSNP rs2142480115, ClinGen allele CA399092252.